The following is an entry in ClinVar:

ClinVar aggregate classification (germline): Pathogenic (1 of 4 stars; one submission).

Submission:

GeneDx
Classification: Pathogenic. Last evaluated: 2023-04-05. Review status: criteria provided, single submitter. Criteria: GeneDx Variant Classification Process June 2021. Collection method: clinical testing. Allele origin: germline. Affected: yes.
Comment: Nonsense variant predicted to result in protein truncation or nonsense mediated decay in a gene for which loss of function is a known mechanism of disease; Not observed at significant frequency in large population cohorts (gnomAD); Truncating variants in this gene are considered pathogenic by a well-established clinical consortium and/or database; Has not been previously published as pathogenic or benign to our knowledge

NM_000051.4(ATM):c.6503C>A (p.Ser2168Ter)

Genes: ATM (ATM serine/threonine kinase; plus strand), C11orf65 (chromosome 11 open reading frame 65; minus strand). Cytogenetic location: 11q22.3.
Variant type: single nucleotide variant.
Coding change: c.6503C>A on transcript NM_000051.4 (MANE Select); coding-DNA position 6503, C replaced by A.
Protein change: p.Ser2168Ter; replaces serine 2168 with a stop codon.
Molecular consequence: nonsense. On other transcripts: intron variant (2).
Genome position (GRCh38, 1-based): chr11:108,321,351, C>A. VCF-style: chr11-108321351-C-A. GRCh37 (hg19) VCF-style: chr11-108192078-C-A.
Other names: c.6503C>A, p.Ser2168Ter (NM_001351834.2); c.641-12280G>T (NM_001330368.2); c.*39-12280G>T (NM_001351110.2); short protein forms S2168*.
Identifiers: ClinVar variation 2663382 (VCV002663382.1), dbSNP rs200431631, ClinGen allele CA382554081.
Genomic context (GRCh38, chr11:108,321,351, plus strand): 5'-TTGCTACTAGAGTAAAAGAAGTGGAAGAGATGTGTAAGCGCAGCCTTGAGTCTGTGTATT[C>A]GCTCTATCCCACACTTAGCAGGTTGCAGGCCATTGGAGAGCTGGAAAGCATTGGGGAGCT-3'